The following is an entry in ClinVar:

ClinVar aggregate classification (germline): Conflicting classifications of pathogenicity. Review status: criteria provided, conflicting classifications (1 of 4 stars). 6 submissions from 6 submitters: Uncertain significance (2); Benign (2); Likely benign (1). 1 of the submissions does not count toward it. Last evaluated 2024-11-08.

Allele frequency attached by ClinVar (database versions not stated): gnomAD 0.00030 and 0.00042; TOPMed 0.00031; gnomAD exomes 0.00038 and 0.00058; ESP Exome Variant Server 0.00046; ExAC 0.00066; 1000 Genomes Project 30x 0.00156; 1000 Genomes Project 0.00160.
gnomAD v4.1: 609 of 1,612,870 alleles (0.038%); highest among the groups gnomAD compares: South Asian, 0.36%; 3 homozygotes.

Submissions (6):

Blueprint Genetics
Classification: Likely benign. Last evaluated: 2024-11-08. Review status: criteria provided, single submitter. Criteria: ACMG Guidelines, 2015. Collection method: clinical testing. Allele origin: germline.

Labcorp Genetics (formerly Invitae), Labcorp
Classification: Benign. Last evaluated: 2023-09-21. Review status: criteria provided, single submitter. Criteria: Invitae Variant Classification Sherloc (09022015). Collection method: clinical testing. Allele origin: germline.

GeneDx
Classification: Benign. Last evaluated: 2020-03-03. Review status: criteria provided, single submitter. Criteria: GeneDx Variant Classification Process June 2021. Collection method: clinical testing. Allele origin: germline. Affected: yes.
Comment: This variant is associated with the following publications: (PMID: 24416283, 30245029, 26186295)

ARUP Laboratories, Molecular Genetics and Genomics, ARUP Laboratories
Classification: Uncertain significance. Last evaluated: 2019-04-09. Review status: criteria provided, single submitter. Criteria: ARUP Molecular Germline Variant Investigation Process. Collection method: clinical testing. Allele origin: germline.
Comment: The USH1C c.1858C>T; p.Arg620Cys variant (rs143160805) is reported in the literature in two siblings affected with nonsyndromic hearing loss (Ganapathy 2014). This variant is found in the South Asian population with an overall allele frequency of 0.33% (102/30490 alleles, including three homozygotes) in the Genome Aggregation Database. The arginine at codon 620 is weakly conserved, but computational analyses (SIFT, PolyPhen-2) predict that this variant is deleterious. However, due to limited information, the clinical significance of the p.Arg620Cys variant is uncertain at this time. References: Ganapathy A et al. Non-syndromic hearing impairment in India: high allelic heterogeneity among mutations in TMPRSS3, TMC1, USHIC, CDH23 and TMIE. PLoS One. 2014 Jan 8;9(1):e84773.

CeGaT Center for Human Genetics Tuebingen
Classification: Uncertain significance. Last evaluated: 2018-10-01. Review status: criteria provided, single submitter. Criteria: CeGaT Center For Human Genetics Tuebingen Variant Classification Criteria Version 2. Collection method: clinical testing. Allele origin: germline. Affected: yes. Observed: 1 variant allele.

Department of Pathology and Laboratory Medicine, Sinai Health System
Classification: Benign. Review status: no assertion criteria provided. Collection method: clinical testing. Allele origin: unknown. Affected: yes. Study: The Canadian Open Genetics Repository (COGR). Not counted in ClinVar's aggregate classification.
Comment: The USH1C p.Arg620Cys variant was identified in a compound heterozygote individual with autosomal recessive non-syndromic hearing loss (Ganapathy_2014_PMID:24416283). The variant was identified in dbSNP (ID: rs143160805), ClinVar (classified as likely benign by GeneDx), and LOVD 3.0. The variant was identified in control databases in 150 of 281130 chromosomes (3 homozygous) at a frequency of 0.0005336 increasing the likelihood this could be a low frequency benign variant (Genome Aggregation Database March 6, 2019, v2.1.1). The variant was observed in the following populations: South Asian in 102 of 30490 chromosomes (freq: 0.003345), Other in 3 of 7178 chromosomes (freq: 0.000418), Latino in 11 of 35364 chromosomes (freq: 0.000311), European (non-Finnish) in 32 of 128200 chromosomes (freq: 0.00025) and East Asian in 2 of 19938 chromosomes (freq: 0.0001), but was not observed in the African, Ashkenazi Jewish, or European (Finnish) populations. The p.Arg620 residue is conserved in mammals but not in more distantly related organisms, and four out of five computational analyses (PolyPhen-2, SIFT, AlignGVGD, BLOSUM, MutationTaster) suggest that the variant may impact the protein; however, this information is not predictive enough to assume pathogenicity. The variant occurs outside of the splicing consensus sequence and in silico or computational prediction software programs (SpliceSiteFinder, MaxEntScan, NNSPLICE, GeneSplicer) do not predict a difference in splicing. In summary, based on the above information this variant meets our laboratory's criteria to be classified as benign.

NM_153676.4(USH1C):c.1858C>T (p.Arg620Cys)

Gene: USH1C (USH1 protein network component harmonin; minus strand). Cytogenetic location: 11p15.1.
Variant type: single nucleotide variant.
Coding change: c.1858C>T on transcript NM_153676.4 (MANE Select); coding-DNA position 1858, C replaced by T.
Protein change: p.Arg620Cys; replaces arginine 620 with cysteine.
Molecular consequence: missense variant. On other transcripts: intron variant (2).
Genome position (GRCh38, 1-based): chr11:17,509,511, G>A on the plus strand (C>T on the coding strand, the complement: USH1C is on the minus strand). VCF-style: chr11-17509511-G-A. GRCh37 (hg19) VCF-style: chr11-17531058-G-A.
Other names: c.1228-7531C>T (NM_001297764.2); c.1285-7531C>T (NM_005709.4); short protein forms R620C.
Identifiers: ClinVar variation 675675 (VCV000675675.60), dbSNP rs143160805, ClinGen allele CA5904417.